The following is an entry in ClinVar:

ClinVar aggregate classification (germline): Uncertain significance (1 of 4 stars; one submission).

Conditions:
ADCY3-related disorder. Also called: ADCY3-related condition.

Allele frequency attached by ClinVar (database versions not stated): gnomAD exomes 0.00001.

Submission:

PreventionGenetics, part of Exact Sciences
Classification: Uncertain significance for ADCY3-related condition. Last evaluated: 2023-09-21. Review status: criteria provided, single submitter. Criteria: ACMG Guidelines, 2015. Collection method: clinical testing. Allele origin: germline.
Comment: The ADCY3 c.3225G>A variant is predicted to result in the amino acid substitution p.Met1075Ile. To our knowledge, this variant has not been reported in the literature. This variant is reported in 0.00088% of alleles in individuals of European (Non-Finnish) descent in gnomAD. At this time, the clinical significance of this variant is uncertain due to the absence of conclusive functional and genetic evidence.

NM_004036.5(ADCY3):c.3222G>A (p.Met1074Ile)

Genes: CENPO (centromere protein O; plus strand), ADCY3 (adenylate cyclase 3; minus strand). Cytogenetic location: 2p23.3.
Variant type: single nucleotide variant.
Coding change: c.3222G>A on transcript NM_004036.5 (MANE Select); coding-DNA position 3222, G replaced by A.
Protein change: p.Met1074Ile; replaces methionine 1074 with isoleucine.
Molecular consequence: missense variant. On other transcripts: 3 prime UTR variant (3), non-coding transcript variant (3).
Genome position (GRCh38, 1-based): chr2:24,820,754, C>T on the plus strand (G>A on the coding strand, the complement: ADCY3 is on the minus strand). VCF-style: chr2-24820754-C-T. GRCh37 (hg19) VCF-style: chr2-25043623-C-T.
Other names: c.3225G>A, p.Met1075Ile (NM_001320613.2); c.3288G>A, p.Met1096Ile (NM_001377128.1); c.3084G>A, p.Met1028Ile (NM_001377129.1); c.2670G>A, p.Met890Ile (NM_001377130.1); c.2499G>A, p.Met833Ile (NM_001377131.1); c.3222G>A, p.Met1074Ile (NM_001377132.1); c.*1436C>T (NM_001199803.3, NM_001322101.2, NM_024322.4); short protein forms M1028I, M1074I, M1075I, M1096I, M833I, M890I.
Identifiers: ClinVar variation 2630155 (VCV002630155.1), dbSNP rs1157750996, ClinGen allele CA346060384.